The following is an entry in ClinVar:

NM_001195605.2(ZNF865):c.2299dup (p.Val767fs)

Gene: ZNF865 (zinc finger protein 865; plus strand). Cytogenetic location: 19q13.42.
Variant type: Duplication.
Coding change: c.2299dup on transcript NM_001195605.2 (MANE Select); coding-DNA position 2299, one base duplicated (G; older notation c.2299dupG).
Protein change: p.Val767fs; shifts the reading frame from valine 767.
Molecular consequence: frameshift variant.
Genome position (GRCh38, 1-based): chr19:55,615,917, G duplicated; the last of 4 consecutive G bases (chr19:55,615,914-55,615,917); duplicating any one gives the same sequence. VCF-style (leftmost placement, unchanged base first): chr19-55615913-A-AG. GRCh37 (hg19) VCF-style: chr19-56127279-A-AG.
Other names: short protein forms V767fs.
Identifiers: ClinVar variation 4282464 (VCV004282464.1).

ClinVar aggregate classification (germline): Uncertain significance (1 of 4 stars; one submission).

Submission:

GeneDx
Classification: Uncertain significance. Last evaluated: 2025-04-16. Review status: criteria provided, single submitter. Criteria: GeneDx Variant Classification Process June 2021. Collection method: clinical testing. Allele origin: germline. Affected: yes.
Comment: De novo variant with confirmed parentage in a patient in published literature from a cohort of individuals with developmental disorders; however, detailed clinical information was not provided (PMID: 33057194); Not observed at significant frequency in large population cohorts (gnomAD); Frameshift variant predicted to result in abnormal protein length as the last 293 amino acids are replaced with 4 different amino acids with an unclear effect on protein function; Variants in candidate genes are classified as variants of uncertain significance in accordance with ACMG guidelines (PMID: 25741868); This variant is associated with the following publications: (PMID: 35982159, 33057194)